The following is an entry in ClinVar:

NM_015046.7(SETX):c.1006G>A (p.Val336Ile)

Gene: SETX (senataxin; minus strand). Cytogenetic location: 9q34.13.
Variant type: single nucleotide variant.
Coding change: c.1006G>A on transcript NM_015046.7 (MANE Select); coding-DNA position 1006, G replaced by A.
Protein change: p.Val336Ile; replaces valine 336 with isoleucine.
Molecular consequence: missense variant.
Genome position (GRCh38, 1-based): chr9:132,331,281, C>T on the plus strand (G>A on the coding strand, the complement: SETX is on the minus strand). VCF-style: chr9-132331281-C-T. GRCh37 (hg19) VCF-style: chr9-135206668-C-T.
Other names: c.1006G>A, p.Val336Ile (NM_001351527.2, NM_001351528.2); short protein forms V336I.
Identifiers: ClinVar variation 2162868 (VCV002162868.5), dbSNP rs373075043, ClinGen allele CA5297879.

ClinVar aggregate classification (germline): Uncertain significance. Review status: criteria provided, single submitter (1 of 4 stars). 2 submissions from 2 submitters: Uncertain significance (1). 1 of the submissions does not count toward it. Last evaluated 2022-01-04.

Conditions:
SETX-related disorder. Also called: SETX-related condition; SETX-related disorders. Identifiers: MedGen CN239403.
Amyotrophic lateral sclerosis type 4 (ALS4). Also called: NEURONOPATHY, DISTAL HEREDITARY MOTOR, WITH PYRAMIDAL FEATURES; AMYOTROPHIC LATERAL SCLEROSIS 4, JUVENILE. Identifiers: Orphanet 357043, MedGen C1865409, MONDO:0011223, OMIM 602433.
Spinocerebellar ataxia, autosomal recessive, with axonal neuropathy 2 (SCAN2). Also called: ATAXIA-OCULOMOTOR APRAXIA 2; Ataxia-ocular apraxia-2; Ataxia with Oculomotor Apraxia; Ataxia with Oculomotor Apraxia Type 2. Identifiers: Orphanet 64753, MedGen C1853761, MONDO:0018996, OMIM 606002.

Allele frequency attached by ClinVar (database versions not stated): gnomAD exomes below 0.00001; gnomAD 0.00001; TOPMed 0.00001; ExAC 0.00002; ESP Exome Variant Server 0.00015.
gnomAD v4.1: 7 of 1,613,940 alleles (0.00043%); highest among the groups gnomAD compares: Non-Finnish European, 0.00051%; no homozygotes.

Submissions (2):

Labcorp Genetics (formerly Invitae), Labcorp
Classification: Uncertain significance for Amyotrophic lateral sclerosis type 4; Spinocerebellar ataxia, autosomal recessive, with axonal neuropathy 2. Last evaluated: 2022-01-04. Review status: criteria provided, single submitter. Criteria: Invitae Variant Classification Sherloc (09022015). Collection method: clinical testing. Allele origin: germline.
Comment: In summary, the available evidence is currently insufficient to determine the role of this variant in disease. Therefore, it has been classified as a Variant of Uncertain Significance. Advanced modeling of protein sequence and biophysical properties (such as structural, functional, and spatial information, amino acid conservation, physicochemical variation, residue mobility, and thermodynamic stability) performed at Invitae indicates that this missense variant is not expected to disrupt SETX protein function. This variant has not been reported in the literature in individuals affected with SETX-related conditions. This variant is present in population databases (rs373075043, gnomAD 0.003%). This sequence change replaces valine, which is neutral and non-polar, with isoleucine, which is neutral and non-polar, at codon 336 of the SETX protein (p.Val336Ile).

PreventionGenetics, part of Exact Sciences
Classification: Uncertain significance for SETX-related condition. Last evaluated: 2024-07-26. Review status: no assertion criteria provided. Collection method: clinical testing. Allele origin: germline. Not counted in ClinVar's aggregate classification.
Comment: The SETX c.1006G>A variant is predicted to result in the amino acid substitution p.Val336Ile. To our knowledge, this variant has not been reported in the literature. This variant is reported in 0.0018% of alleles in individuals of European (Non-Finnish) descent in gnomAD. At this time, the clinical significance of this variant is uncertain due to the absence of conclusive functional and genetic evidence.